The following is an entry in ClinVar:

ClinVar aggregate classification (germline): Likely pathogenic (1 of 4 stars; one submission).

Conditions:
TP63-Related Spectrum Disorders.

Submission:

Dasa
Classification: Likely pathogenic. Last evaluated: 2022-02-14. Review status: criteria provided, single submitter. Criteria: ACMG Guidelines, 2015. Collection method: clinical testing. Allele origin: germline. Affected: yes. Observed: 1 variant allele.
Comment: The c.1507A>T;p.(Ile503Phe) missense variant has been observed in affected individual(s) (PMID: 30088137) - PS4_supporting. The variant is located in a mutational hot spot and/or critical and well-established functional domain (SAM_2 domain) - PM1. This variant is not present in population databases (gnomAD; ABraOM no frequency) - PM2. Pathogenic missense variant in this residue have been reported (ClinVar ID: 807713 - c.1790T>C;p.(Ile597Thr)) - PM5. Multiple lines of computational evidence support a deleterious effect on the gene or gene product - PP3. In summary, the currently available evidence indicates that the variant is likely pathogenic.

Literature cited by the submitters: PubMed 30088137.

NM_003722.5(TP63):c.1789A>T (p.Ile597Phe)

Gene: TP63 (tumor protein p63; plus strand). Cytogenetic location: 3q28.
Variant type: single nucleotide variant.
Coding change: c.1789A>T on transcript NM_003722.5 (MANE Select); coding-DNA position 1789, A replaced by T.
Protein change: p.Ile597Phe; replaces isoleucine 597 with phenylalanine.
Molecular consequence: missense variant. On other transcripts: 3 prime UTR variant (6).
Genome position (GRCh38, 1-based): chr3:189,894,248, A>T. VCF-style: chr3-189894248-A-T. GRCh37 (hg19) VCF-style: chr3-189612037-A-T.
Other names: c.*27A>T (NM_001114978.2, NM_001114981.2); c.1507A>T, p.Ile503Phe (NM_001114980.2); c.*17A>T (NM_001329144.2, NM_001329145.2, NM_001329149.2 and 1 more transcripts); c.1252A>T, p.Ile418Phe (NM_001329146.2); c.1777A>T, p.Ile593Phe (NM_001329148.2); c.1783A>T, p.Ile595Phe (NM_001329964.2); short protein forms I418F, I503F, I593F, I595F, I597F.
Identifiers: ClinVar variation 1341520 (VCV001341520.3), dbSNP rs2108873176, ClinGen allele CA355751206.
Genomic context (GRCh38, chr3:189,894,248, plus strand): 5'-CCTTCCCCTGTTGCACAGGATCTGGCAAGTCTGAAAATCCCTGAGCAATTTCGACATGCG[A>T]TCTGGAAGGGCATCCTGGACCACCGGCAGCTCCACGAATTCTCCTCCCCTTCTCATCTCC-3'
Protein context (NP_003713.3, residues 587-607): LKIPEQFRHA[Ile597Phe]WKGILDHRQL